The following is an entry in ClinVar:

ClinVar aggregate classification (germline): Likely pathogenic. Review status: criteria provided, multiple submitters, no conflicts (2 of 4 stars). 2 submissions from 2 submitters: Likely pathogenic (2). Last evaluated 2024-07-08.

Submissions (2):

GeneDx
Classification: Likely pathogenic. Last evaluated: 2024-07-08. Review status: criteria provided, single submitter. Criteria: GeneDx Variant Classification Process June 2021. Collection method: clinical testing. Allele origin: germline. Affected: yes.
Comment: Not observed at significant frequency in large population cohorts (gnomAD); In silico analysis supports that this missense variant has a deleterious effect on protein structure/function; This variant is associated with the following publications: (PMID: 21965141)

Labcorp Genetics (formerly Invitae), Labcorp
Classification: Likely pathogenic. Last evaluated: 2022-03-24. Review status: criteria provided, single submitter. Criteria: Invitae Variant Classification Sherloc (09022015). Collection method: clinical testing. Allele origin: germline.
Comment: In summary, the currently available evidence indicates that the variant is pathogenic, but additional data are needed to prove that conclusively. Therefore, this variant has been classified as Likely Pathogenic. Advanced modeling of protein sequence and biophysical properties (such as structural, functional, and spatial information, amino acid conservation, physicochemical variation, residue mobility, and thermodynamic stability) performed at Invitae indicates that this missense variant is expected to disrupt COMP protein function. This missense change has been observed in individuals with clinical features of multiple epiphyseal dysplasia or pseudoachondroplasia (PMID: 21965141; Invitae). This variant is not present in population databases (gnomAD no frequency). This sequence change replaces aspartic acid, which is acidic and polar, with tyrosine, which is neutral and polar, at codon 458 of the COMP protein (p.Asp458Tyr).

Literature cited by the submitters: PubMed 21965141 (cited by Labcorp Genetics (formerly Invitae), Labcorp).

NM_000095.3(COMP):c.1372G>T (p.Asp458Tyr)

Gene: COMP (cartilage oligomeric matrix protein; minus strand). Cytogenetic location: 19p13.11.
Variant type: single nucleotide variant.
Coding change: c.1372G>T on transcript NM_000095.3 (MANE Select); coding-DNA position 1372, G replaced by T.
Protein change: p.Asp458Tyr; replaces aspartic acid 458 with tyrosine.
Molecular consequence: missense variant.
Genome position (GRCh38, 1-based): chr19:18,786,082, C>A on the plus strand (G>T on the coding strand, the complement: COMP is on the minus strand). VCF-style: chr19-18786082-C-A. GRCh37 (hg19) VCF-style: chr19-18896892-C-A.
Other names: c.1372G>T (NM_000095.2); short protein forms D458Y.
Identifiers: ClinVar variation 2138264 (VCV002138264.5), dbSNP rs2512847579, ClinGen allele CA404884849.